The following is an entry in ClinVar:

ClinVar aggregate classification (germline): Uncertain significance (1 of 4 stars; one submission).

gnomAD v4.1: 2 of 1,210,384 alleles (0.00017%); highest among the groups gnomAD compares: Non-Finnish European, 0.00022%; no homozygotes.

Submission:

GeneDx
Classification: Uncertain significance. Last evaluated: 2025-08-26. Review status: criteria provided, single submitter. Criteria: GeneDx Variant Classification Process June 2021. Collection method: clinical testing. Allele origin: germline. Affected: yes.
Comment: Not observed at significant frequency in large population cohorts (gnomAD); In silico analysis suggests that this missense variant does not alter protein structure/function; Has not been previously published as pathogenic or benign to our knowledge

NM_000132.4(F8):c.310G>A (p.Val104Ile)

Gene: F8 (coagulation factor VIII; minus strand). Cytogenetic location: Xq28.
Variant type: single nucleotide variant.
Coding change: c.310G>A on transcript NM_000132.4 (MANE Select); coding-DNA position 310, G replaced by A.
Protein change: p.Val104Ile; replaces valine 104 with isoleucine.
Molecular consequence: missense variant.
Genome position (GRCh38, 1-based): chrX:154,997,051, C>T on the plus strand (G>A on the coding strand, the complement: F8 is on the minus strand). VCF-style: chrX-154997051-C-T. GRCh37 (hg19) VCF-style: chrX-154225326-C-T.
Other names: short protein forms V104I.
Identifiers: ClinVar variation 4812886 (VCV004812886.1).